The following is an entry in ClinVar:

ClinVar aggregate classification (germline): Conflicting classifications of pathogenicity. Review status: criteria provided, conflicting classifications (1 of 4 stars). 2 submissions from 2 submitters: Uncertain significance (1); Likely benign (1). Last evaluated 2025-12-15.

Conditions:
RYR1-related disorder. Also called: RYR1-related condition; RYR1-related disorders. Identifiers: MedGen CN239331.

Allele frequency attached by ClinVar (database versions not stated): TOPMed 0.00001; gnomAD exomes below 0.00001 and 0.00001; gnomAD 0.00001.
gnomAD v4.1: 6 of 1,614,156 alleles (0.00037%); highest among the groups gnomAD compares: African/African-American, 0.008%; no homozygotes.

Submissions (2):

Labcorp Genetics (formerly Invitae), Labcorp
Classification: Likely benign for RYR1-related disorder. Last evaluated: 2025-12-15. Review status: criteria provided, single submitter. Criteria: Invitae Variant Classification Sherloc (09022015). Collection method: clinical testing. Allele origin: germline.

GeneDx
Classification: Uncertain significance. Last evaluated: 2019-05-31. Review status: criteria provided, single submitter. Criteria: GeneDx Variant Classification Process June 2021. Collection method: clinical testing. Allele origin: germline. Affected: yes.
Comment: Has not been previously published as pathogenic or benign to our knowledge; In silico analysis, which includes splice predictors and evolutionary conservation, supports that this variant does not alter protein structure/function

NM_000540.3(RYR1):c.10398C>T (p.Asn3466=)

Gene: RYR1 (ryanodine receptor 1; plus strand). Cytogenetic location: 19q13.2.
Variant type: single nucleotide variant.
Coding change: c.10398C>T on transcript NM_000540.3 (MANE Select); coding-DNA position 10398, C replaced by T.
Protein change: p.Asn3466=; no amino-acid change (asparagine 3466 retained).
Molecular consequence: synonymous variant.
Genome position (GRCh38, 1-based): chr19:38,523,267, C>T. VCF-style: chr19-38523267-C-T. GRCh37 (hg19) VCF-style: chr19-39013907-C-T.
Other names: c.10398C>T, p.Asn3466= (NM_001042723.2).
Identifiers: ClinVar variation 1137934 (VCV001137934.10), dbSNP rs1335486327, ClinGen allele CA079827.